The following is an entry in ClinVar:

ClinVar aggregate classification (germline): Likely benign. Review status: criteria provided, multiple submitters, no conflicts (2 of 4 stars). 2 submissions from 2 submitters: Likely benign (2). Last evaluated 2025-05-20.

Conditions:
Peters plus syndrome. Also called: KRAUSE-KIVLIN SYNDROME. Identifiers: Orphanet 709, MedGen C0796012, MONDO:0009856, OMIM 261540.
B3GLCT-related disorder. Also called: B3GLCT-related condition.

Allele frequency attached by ClinVar (database versions not stated): ExAC 0.00009; ESP Exome Variant Server 0.00015.
gnomAD v4.1: 134 of 1,614,080 alleles (0.0083%); highest among the groups gnomAD compares: East Asian, 0.0045%; no homozygotes.

Submissions (2):

PreventionGenetics, part of Exact Sciences
Classification: Likely benign for B3GLCT-related condition. Last evaluated: 2025-05-20. Review status: criteria provided, single submitter. Criteria: ACMG Guidelines, 2015. Collection method: clinical testing. Allele origin: germline.
Comment: This variant is classified as likely benign based on ACMG/AMP sequence variant interpretation guidelines (Richards et al. 2015 PMID: 25741868, with internal and published modifications).

Labcorp Genetics (formerly Invitae), Labcorp
Classification: Likely benign for Peters plus syndrome. Last evaluated: 2024-06-17. Review status: criteria provided, single submitter. Criteria: Invitae Variant Classification Sherloc (09022015). Collection method: clinical testing. Allele origin: germline.

NM_194318.4(B3GLCT):c.1318C>G (p.Leu440Val)

Gene: B3GLCT (beta 3-glucosyltransferase; plus strand). Cytogenetic location: 13q12.3.
Variant type: single nucleotide variant.
Coding change: c.1318C>G on transcript NM_194318.4 (MANE Select); coding-DNA position 1318, C replaced by G.
Protein change: p.Leu440Val; replaces leucine 440 with valine.
Molecular consequence: missense variant.
Genome position (GRCh38, 1-based): chr13:31,323,884, C>G. VCF-style: chr13-31323884-C-G. GRCh37 (hg19) VCF-style: chr13-31898021-C-G.
Other names: c.1318C>G (NM_194318.3); short protein forms L440V.
Identifiers: ClinVar variation 1350915 (VCV001350915.9), dbSNP rs142935066, ClinGen allele CA6936888.